The following is an entry in ClinVar:

NM_004341.5(CAD):c.1100G>T (p.Gly367Val)

Gene: CAD (carbamoyl-phosphate synthetase 2, aspartate transcarbamylase, and dihydroorotase; plus strand). Cytogenetic location: 2p23.3.
Variant type: single nucleotide variant.
Coding change: c.1100G>T on transcript NM_004341.5 (MANE Select); coding-DNA position 1100, G replaced by T.
Protein change: p.Gly367Val; replaces glycine 367 with valine.
Molecular consequence: missense variant.
Genome position (GRCh38, 1-based): chr2:27,224,021, G>T. VCF-style: chr2-27224021-G-T. GRCh37 (hg19) VCF-style: chr2-27446889-G-T.
Other names: c.1100G>T, p.Gly367Val (NM_001306079.2); short protein forms G367V.
Identifiers: ClinVar variation 1402937 (VCV001402937.3), dbSNP rs766915720, ClinGen allele CA346203087.
Genomic context (GRCh38, chr2:27,224,021, plus strand): 5'-AACTGCTTTTCGATATCTTTCTGGAAACTGTGAAAGAGGCCACAGCTGGGAACCCTGGGG[G>T]CCAGACAGGTAAGATCCTGAGTAGAACTGGGTTGTGGACCTAAGAACAGGGTTGGCTCCA-3'
Protein context (NP_004332.2, residues 357-377): VKEATAGNPG[Gly367Val]QTVRERLTER

ClinVar aggregate classification (germline): Uncertain significance (1 of 4 stars; one submission).

gnomAD v4.1: 4 of 1,610,134 alleles (0.00025%); highest among the groups gnomAD compares: Admixed American, 0.0067%; no homozygotes.

Submission:

Labcorp Genetics (formerly Invitae), Labcorp
Classification: Uncertain significance. Last evaluated: 2022-01-13. Review status: criteria provided, single submitter. Criteria: Invitae Variant Classification Sherloc (09022015). Collection method: clinical testing. Allele origin: germline.
Comment: This sequence change replaces glycine, which is neutral and non-polar, with valine, which is neutral and non-polar, at codon 367 of the CAD protein (p.Gly367Val). This variant is present in population databases (no rsID available, gnomAD 0.003%). This variant has not been reported in the literature in individuals affected with CAD-related conditions. Algorithms developed to predict the effect of missense changes on protein structure and function (SIFT, PolyPhen-2, Align-GVGD) all suggest that this variant is likely to be tolerated. In summary, the available evidence is currently insufficient to determine the role of this variant in disease. Therefore, it has been classified as a Variant of Uncertain Significance.